The following is an entry in ClinVar:

ClinVar aggregate classification (germline): Conflicting classifications of pathogenicity. Review status: criteria provided, conflicting classifications (1 of 4 stars). 5 submissions from 5 submitters: Uncertain significance (4); Likely benign (1). Last evaluated 2026-01-06.

Conditions:
Hereditary cancer-predisposing syndrome. Also called: Neoplastic Syndromes, Hereditary; Tumor predisposition; Hereditary neoplastic syndrome; Hereditary Cancer Syndrome. Identifiers: Orphanet 140162, MedGen C0027672, MeSH D009386, MONDO:0015356.
Cardiovascular phenotype. Identifiers: MedGen CN230736.

Allele frequency attached by ClinVar (database versions not stated): gnomAD 0.00004; TOPMed 0.00004; ESP Exome Variant Server 0.00008; 1000 Genomes Project 30x 0.00016; 1000 Genomes Project 0.00020; gnomAD exomes 0.00002.

Submissions (5):

Labcorp Genetics (formerly Invitae), Labcorp
Classification: Uncertain significance. Last evaluated: 2026-01-06. Review status: criteria provided, single submitter. Criteria: Invitae Variant Classification Sherloc (09022015). Collection method: clinical testing. Allele origin: germline.
Comment: This sequence change replaces valine, which is neutral and non-polar, with isoleucine, which is neutral and non-polar, at codon 324 of the LZTR1 protein (p.Val324Ile). The frequency data for this variant in the population databases is considered unreliable, as metrics indicate poor data quality at this position in the gnomAD database. This variant has not been reported in the literature in individuals affected with LZTR1-related conditions. ClinVar contains an entry for this variant (Variation ID: 1307219). Invitae Evidence Modeling of protein sequence and biophysical properties (such as structural, functional, and spatial information, amino acid conservation, physicochemical variation, residue mobility, and thermodynamic stability) indicates that this missense variant is not expected to disrupt LZTR1 protein function with a negative predictive value of 80%. In summary, the available evidence is currently insufficient to determine the role of this variant in disease. Therefore, it has been classified as a Variant of Uncertain Significance.

Blueprint Genetics
Classification: Uncertain significance. Last evaluated: 2024-10-28. Review status: criteria provided, single submitter. Criteria: ACMG Guidelines, 2015. Collection method: clinical testing. Allele origin: germline.

Women's Health and Genetics/Laboratory Corporation of America, LabCorp
Classification: Uncertain significance. Last evaluated: 2024-09-04. Review status: criteria provided, single submitter. Criteria: LabCorp Variant Classification Summary - May 2015. Collection method: clinical testing. Allele origin: germline.
Comment: Variant summary: LZTR1 c.970G>A (p.Val324Ile) results in a conservative amino acid change in the encoded protein sequence. Four of five in-silico tools predict a benign effect of the variant on protein function. The variant allele was found at a frequency of 2.5e-05 in 1550790 control chromosomes. This frequency is not significantly higher than estimated for a pathogenic variant in LZTR1 causing Noonan Syndrome 2 (2.5e-05 vs 0.0032), allowing no conclusion about variant significance. To our knowledge, no occurrence of c.970G>A in individuals affected with Noonan Syndrome 2 and no experimental evidence demonstrating its impact on protein function have been reported. ClinVar contains an entry for this variant (Variation ID: 1307219). Based on the evidence outlined above, the variant was classified as uncertain significance.

GeneDx
Classification: Uncertain significance. Last evaluated: 2024-06-20. Review status: criteria provided, single submitter. Criteria: GeneDx Variant Classification Process June 2021. Collection method: clinical testing. Allele origin: germline. Affected: yes.
Comment: In silico analysis indicates that this missense variant does not alter protein structure/function; Has not been previously published as pathogenic or benign to our knowledge; Not observed at significant frequency in large population cohorts (gnomAD)

Ambry Genetics
Classification: Likely benign for Cardiovascular phenotype; Hereditary cancer-predisposing syndrome. Last evaluated: 2023-11-20. Review status: criteria provided, single submitter. Criteria: Ambry Variant Classification Scheme 2023. Collection method: clinical testing. Allele origin: germline.

NM_006767.4(LZTR1):c.970G>A (p.Val324Ile)

Gene: LZTR1 (leucine zipper like post translational regulator 1; plus strand). Cytogenetic location: 22q11.21.
Variant type: single nucleotide variant.
Coding change: c.970G>A on transcript NM_006767.4 (MANE Select); coding-DNA position 970, G replaced by A.
Protein change: p.Val324Ile; replaces valine 324 with isoleucine.
Molecular consequence: missense variant.
Genome position (GRCh38, 1-based): chr22:20,991,806, G>A. VCF-style: chr22-20991806-G-A. GRCh37 (hg19) VCF-style: chr22-21346095-G-A.
Other names: short protein forms V324I.
Identifiers: ClinVar variation 1307219 (VCV001307219.14), dbSNP rs140013693, ClinGen allele CA10118671.
Genomic context (GRCh38, chr22:20,991,806, plus strand): 5'-GACAACACGCTGCCCAACGAGCTGCACTGCTATGACGTGGACTTCCAGACCTGGGAGGTC[G>A]TCCAGCCCAGCTCCGACAGCGAGGTGAGGGTGCCCAGGGGTGTCCTGACCTGCCAGCTGG-3'
Protein context (NP_006758.2, residues 314-334): YDVDFQTWEV[Val324Ile]QPSSDSEVGG